The following is an entry in ClinVar:

ClinVar aggregate classification (germline): Uncertain significance (1 of 4 stars; one submission).

Allele frequency attached by ClinVar (database versions not stated): gnomAD exomes 0.00001 and 0.00003; ExAC 0.00007.
gnomAD v4.1: 11 of 1,575,598 alleles (0.0007%); highest among the groups gnomAD compares: South Asian, 0.012%; no homozygotes.

Submission:

Labcorp Genetics (formerly Invitae), Labcorp
Classification: Uncertain significance. Last evaluated: 2022-06-05. Review status: criteria provided, single submitter. Criteria: Invitae Variant Classification Sherloc (09022015). Collection method: clinical testing. Allele origin: germline.
Comment: Algorithms developed to predict the effect of missense changes on protein structure and function output the following: SIFT: "Tolerated"; PolyPhen-2: "Benign"; Align-GVGD: "Class C0". The alanine amino acid residue is found in multiple mammalian species, which suggests that this missense change does not adversely affect protein function. This sequence change replaces threonine, which is neutral and polar, with alanine, which is neutral and non-polar, at codon 15 of the NDUFV2 protein (p.Thr15Ala). This variant is present in population databases (rs776531231, gnomAD 0.02%). This variant has not been reported in the literature in individuals affected with NDUFV2-related conditions. ClinVar contains an entry for this variant (Variation ID: 1417190). In summary, the available evidence is currently insufficient to determine the role of this variant in disease. Therefore, it has been classified as a Variant of Uncertain Significance.

NM_021074.5(NDUFV2):c.43A>G (p.Thr15Ala)

Genes: NDUFV2 (NADH:ubiquinone oxidoreductase core subunit V2; plus strand), LOC130062145 (ATAC-STARR-seq lymphoblastoid silent region 9277; plus strand). Cytogenetic location: 18p11.22.
Variant type: single nucleotide variant.
Coding change: c.43A>G on transcript NM_021074.5 (MANE Select); coding-DNA position 43, A replaced by G.
Protein change: p.Thr15Ala; replaces threonine 15 with alanine.
Molecular consequence: missense variant.
Genome position (GRCh38, 1-based): chr18:9,102,786, A>G. VCF-style: chr18-9102786-A-G. GRCh37 (hg19) VCF-style: chr18-9102784-A-G.
Other names: short protein forms T15A.
Identifiers: ClinVar variation 1417190 (VCV001417190.8), dbSNP rs776531231, ClinGen allele CA8887031.
Genomic context (GRCh38, chr18:9,102,786, plus strand): 5'-TGAACAGTGTGGCCCGCCATGTTCTTCTCCGCGGCGCTCCGGGCCCGGGCGGCTGGCCTC[A>G]CCGCCCACTGGGTAAGGAGGCTCAAGCTGAGCCCGGCGCTGCCGCCGCCCTTCTCTTGCT-3'
Protein context (NP_066552.2, residues 5-25): AALRARAAGL[Thr15Ala]AHWGRHVRNL